The following is an entry in ClinVar:

ClinVar aggregate classification (germline): Likely benign. Review status: criteria provided, multiple submitters, no conflicts (2 of 4 stars). 3 submissions from 3 submitters: Likely benign (3). Last evaluated 2022-06-27.

Conditions:
Cardiovascular phenotype. Identifiers: MedGen CN230736.
Charcot-Marie-Tooth disease type 2. Also called: Charcot-Marie-Tooth type 2. Identifiers: Orphanet 64746, MedGen C0270914, MONDO:0018993.

Submissions (3):

Labcorp Genetics (formerly Invitae), Labcorp
Classification: Likely benign for Charcot-Marie-Tooth disease type 2. Last evaluated: 2022-06-27. Review status: criteria provided, single submitter. Criteria: Invitae Variant Classification Sherloc (09022015). Collection method: clinical testing. Allele origin: germline.

Ambry Genetics
Classification: Likely benign for Cardiovascular phenotype. Last evaluated: 2019-07-11. Review status: criteria provided, single submitter. Criteria: Ambry Variant Classification Scheme 2023. Collection method: clinical testing. Allele origin: germline.

GeneDx
Classification: Likely benign. Last evaluated: 2017-12-22. Review status: criteria provided, single submitter. Criteria: GeneDx Variant Classification (06012015). Collection method: clinical testing. Allele origin: germline. Affected: yes.
Comment: This variant is considered likely benign or benign based on one or more of the following criteria: it is a conservative change, it occurs at a poorly conserved position in the protein, it is predicted to be benign by multiple in silico algorithms, and/or has population frequency not consistent with disease.

NM_170707.4(LMNA):c.1029G>C (p.Arg343=)

Gene: LMNA (lamin A/C; plus strand). Cytogenetic location: 1q22.
Variant type: single nucleotide variant.
Coding change: c.1029G>C on transcript NM_170707.4 (MANE Select); coding-DNA position 1029, G replaced by C.
Protein change: p.Arg343=; no amino-acid change (arginine 343 retained).
Molecular consequence: synonymous variant.
Genome position (GRCh38, 1-based): chr1:156,135,993, G>C. VCF-style: chr1-156135993-G-C. GRCh37 (hg19) VCF-style: chr1-156105784-G-C.
Other names: c.693G>C, p.Arg231= (NM_001257374.3); c.786G>C, p.Arg262= (NM_001282624.2); c.1029G>C, p.Arg343= (NM_001282625.2, NM_001282626.2, NM_005572.4 and 1 more transcripts).
Identifiers: ClinVar variation 514185 (VCV000514185.13), dbSNP rs1553265680, ClinGen allele CA421257769.